The following is an entry in ClinVar:

NM_033026.6(PCLO):c.14469T>A (p.Tyr4823Ter)

Gene: PCLO (piccolo presynaptic cytomatrix protein; minus strand). Cytogenetic location: 7q21.11.
Variant type: single nucleotide variant.
Coding change: c.14469T>A on transcript NM_033026.6 (MANE Select); coding-DNA position 14469, T replaced by A.
Protein change: p.Tyr4823Ter; replaces tyrosine 4823 with a stop codon.
Molecular consequence: nonsense.
Genome position (GRCh38, 1-based): chr7:82,824,363, A>T on the plus strand (T>A on the coding strand, the complement: PCLO is on the minus strand). VCF-style: chr7-82824363-A-T. GRCh37 (hg19) VCF-style: chr7-82453679-A-T.
Other names: c.14469T>A, p.Tyr4823Ter (NM_014510.3); short protein forms Y4823*.
Identifiers: ClinVar variation 2098301 (VCV002098301.4), dbSNP rs2535263844, ClinGen allele CA368020457.
Genomic context (GRCh38, chr7:82,824,363, plus strand): 5'-GCTGCTCTGACTGGAATGAGACTTGCCATGATCAATGCTTTCAGTCTGTTCTTTGAGAGG[A>T]TACCACCTTGGAGTGTTATCGAGGTGAGATGTGCTAGATAAATCAATCAATACCTGAAAA-3'

ClinVar aggregate classification (germline): Pathogenic (1 of 4 stars; one submission).

Submission:

Labcorp Genetics (formerly Invitae), Labcorp
Classification: Pathogenic. Last evaluated: 2022-08-27. Review status: criteria provided, single submitter. Criteria: Invitae Variant Classification Sherloc (09022015). Collection method: clinical testing. Allele origin: germline.
Comment: For these reasons, this variant has been classified as Pathogenic. This variant has not been reported in the literature in individuals affected with PCLO-related conditions. This variant is not present in population databases (gnomAD no frequency). This sequence change creates a premature translational stop signal (p.Tyr4823*) in the PCLO gene. It is expected to result in an absent or disrupted protein product. Loss-of-function variants in PCLO are known to be pathogenic (PMID: 25832664, 30287594).

Literature cited by the submitters: PubMed 25832664; PubMed 30287594.